The following is an entry in ClinVar:

NC_000006.11:g.(?_49407899)_(49427199_?)dup

Gene: MMUT (methylmalonyl-CoA mutase; minus strand). Cytogenetic location: 6p12.3.
Variant type: Duplication.
Identifiers: ClinVar variation 534568 (VCV000534568.1).

ClinVar aggregate classification (germline): Uncertain significance (1 of 4 stars; one submission).

Conditions:
Methylmalonic aciduria due to methylmalonyl-CoA mutase deficiency (MAMM). Also called: Methylmalonic aciduria, mut type. Identifiers: Orphanet 27, MedGen C1855114, MONDO:0009612, OMIM 251000.

Submission:

Labcorp Genetics (formerly Invitae), Labcorp
Classification: Uncertain significance for Methylmalonic aciduria due to methylmalonyl-CoA mutase deficiency. Last evaluated: 2018-06-18. Review status: criteria provided, single submitter. Criteria: Invitae Variant Classification Sherloc (09022015). Collection method: clinical testing. Allele origin: germline.
Comment: A gross duplication of the genomic region encompassing the full coding sequence of the MUT gene has been identified. The boundaries of this event are unknown as the duplication extends beyond the assayed region for this gene and therefore may encompass additional genes. As the precise location of this duplication is unknown, it may be in tandem or it may be located elsewhere in the genome. This variant has not been reported in the literature in individuals with MUT-related disease. In summary, the available evidence is currently insufficient to determine the role of this variant in disease. Therefore, it has been classified as a Variant of Uncertain Significance.